The following is an entry in ClinVar:

NM_024642.5(GALNT12):c.1063A>G (p.Thr355Ala)

Gene: GALNT12 (polypeptide N-acetylgalactosaminyltransferase 12; plus strand). Cytogenetic location: 9q22.33.
Variant type: single nucleotide variant.
Coding change: c.1063A>G on transcript NM_024642.5 (MANE Select); coding-DNA position 1063, A replaced by G.
Protein change: p.Thr355Ala; replaces threonine 355 with alanine.
Molecular consequence: missense variant.
Genome position (GRCh38, 1-based): chr9:98,836,999, A>G. VCF-style: chr9-98836999-A-G. GRCh37 (hg19) VCF-style: chr9-101599281-A-G.
Other names: short protein forms T355A.
Identifiers: ClinVar variation 3227896 (VCV003227896.2), dbSNP rs557750030, ClinGen allele CA196827478.

ClinVar aggregate classification (germline): Uncertain significance. Review status: criteria provided, multiple submitters, no conflicts (2 of 4 stars). 2 submissions from 2 submitters: Uncertain significance (2). Last evaluated 2025-10-24.

Allele frequency attached by ClinVar (database versions not stated): gnomAD exomes below 0.00001.
gnomAD v4.1: 2 of 1,614,056 alleles (0.00012%); highest among the groups gnomAD compares: Non-Finnish European, 0.00017%; no homozygotes.

Submissions (2):

Labcorp Genetics (formerly Invitae), Labcorp
Classification: Uncertain significance. Last evaluated: 2025-10-24. Review status: criteria provided, single submitter. Criteria: Invitae Variant Classification Sherloc (09022015). Collection method: clinical testing. Allele origin: germline.
Comment: This sequence change replaces threonine, which is neutral and polar, with alanine, which is neutral and non-polar, at codon 355 of the GALNT12 protein (p.Thr355Ala). This variant is not present in population databases (gnomAD no frequency). This variant has not been reported in the literature in individuals affected with GALNT12-related conditions. ClinVar contains an entry for this variant (Variation ID: 3227896). Invitae Evidence Modeling of protein sequence and biophysical properties (such as structural, functional, and spatial information, amino acid conservation, physicochemical variation, residue mobility, and thermodynamic stability) indicates that this missense variant is not expected to disrupt GALNT12 protein function with a negative predictive value of 80%. In summary, the available evidence is currently insufficient to determine the role of this variant in disease. Therefore, it has been classified as a Variant of Uncertain Significance.

Ambry Genetics
Classification: Uncertain significance. Last evaluated: 2023-12-15. Review status: criteria provided, single submitter. Criteria: Ambry Variant Classification Scheme 2023. Collection method: clinical testing. Allele origin: germline.
Comment: The p.T355A variant (also known as c.1063A>G), located in coding exon 6 of the GALNT12 gene, results from an A to G substitution at nucleotide position 1063. The threonine at codon 355 is replaced by alanine, an amino acid with similar properties. This amino acid position is conserved. In addition, this alteration is predicted to be tolerated by in silico analysis. Since supporting evidence is limited at this time, the clinical significance of this alteration remains unclear.